The following is an entry in ClinVar:

NM_015346.4(ZFYVE26):c.5168G>A (p.Arg1723Lys)

Gene: ZFYVE26 (zinc finger FYVE-type containing 26; minus strand). Cytogenetic location: 14q24.1.
Variant type: single nucleotide variant.
Coding change: c.5168G>A on transcript NM_015346.4 (MANE Select); coding-DNA position 5168, G replaced by A.
Protein change: p.Arg1723Lys; replaces arginine 1723 with lysine.
Molecular consequence: missense variant.
Genome position (GRCh38, 1-based): chr14:67,775,913, C>T on the plus strand (G>A on the coding strand, the complement: ZFYVE26 is on the minus strand). VCF-style: chr14-67775913-C-T. GRCh37 (hg19) VCF-style: chr14-68242630-C-T.
Other names: short protein forms R1723K.
Identifiers: ClinVar variation 1974260 (VCV001974260.5), dbSNP rs2039328811, ClinGen allele CA390168167.

ClinVar aggregate classification (germline): Uncertain significance (1 of 4 stars; one submission).

Conditions:
Spastic paraplegia. Identifiers: MedGen C0037772, HP:0001258.

Allele frequency attached by ClinVar (database versions not stated): gnomAD 0.00001; TOPMed 0.00001.
gnomAD v4.1: 1 of 1,614,128 alleles (0.000062%); highest among the groups gnomAD compares: Non-Finnish European, 0.000085%; no homozygotes.

Submission:

Labcorp Genetics (formerly Invitae), Labcorp
Classification: Uncertain significance for Spastic paraplegia. Last evaluated: 2022-05-05. Review status: criteria provided, single submitter. Criteria: Invitae Variant Classification Sherloc (09022015). Collection method: clinical testing. Allele origin: germline.
Comment: In summary, the available evidence is currently insufficient to determine the role of this variant in disease. Therefore, it has been classified as a Variant of Uncertain Significance. This sequence change replaces arginine, which is basic and polar, with lysine, which is basic and polar, at codon 1723 of the ZFYVE26 protein (p.Arg1723Lys). This variant is not present in population databases (gnomAD no frequency). This variant has not been reported in the literature in individuals affected with ZFYVE26-related conditions. Algorithms developed to predict the effect of missense changes on protein structure and function output the following: SIFT: "Tolerated"; PolyPhen-2: "Benign"; Align-GVGD: "Class C0". The lysine amino acid residue is found in multiple mammalian species, which suggests that this missense change does not adversely affect protein function.